The following is an entry in ClinVar:

NM_000288.4(PEX7):c.798T>A (p.Thr266=)

Gene: PEX7 (peroxisomal biogenesis factor 7; plus strand). Cytogenetic location: 6q23.3.
Variant type: single nucleotide variant.
Coding change: c.798T>A on transcript NM_000288.4 (MANE Select); coding-DNA position 798, T replaced by A.
Protein change: p.Thr266=; no amino-acid change (threonine 266 retained).
Molecular consequence: synonymous variant.
Genome position (GRCh38, 1-based): chr6:136,872,248, T>A. VCF-style: chr6-136872248-T-A. GRCh37 (hg19) VCF-style: chr6-137193386-T-A.
Other names: c.684T>A, p.Thr228= (NM_001410945.1).
Identifiers: ClinVar variation 4998049 (VCV004998049.1).

ClinVar aggregate classification (germline): Likely benign (1 of 4 stars; one submission).

Conditions:
PEX7-related disorder. Also called: PEX7-related disorders; PEX7-related condition. Identifiers: MedGen CN239409.

Submission:

PreventionGenetics, part of Exact Sciences
Classification: Likely benign for PEX7-related condition. Last evaluated: 2025-05-23. Review status: criteria provided, single submitter. Criteria: ACMG Guidelines, 2015. Collection method: clinical testing. Allele origin: germline.
Comment: This variant is classified as likely benign based on ACMG/AMP sequence variant interpretation guidelines (Richards et al. 2015 PMID: 25741868, with internal and published modifications).